The following is an entry in ClinVar:

ClinVar aggregate classification (germline): Uncertain significance (1 of 4 stars; one submission).

gnomAD v4.1: 3 of 1,613,246 alleles (0.00019%); highest among the groups gnomAD compares: Non-Finnish European, 0.00025%; no homozygotes.

Submission:

Labcorp Genetics (formerly Invitae), Labcorp
Classification: Uncertain significance. Last evaluated: 2021-08-14. Review status: criteria provided, single submitter. Criteria: Invitae Variant Classification Sherloc (09022015). Collection method: clinical testing. Allele origin: germline.
Comment: This sequence change replaces threonine with isoleucine at codon 445 of the USH2A protein (p.Thr445Ile). The threonine residue is moderately conserved and there is a moderate physicochemical difference between threonine and isoleucine. This variant is not present in population databases (ExAC no frequency). This variant has not been reported in the literature in individuals affected with USH2A-related conditions. Algorithms developed to predict the effect of missense changes on protein structure and function output the following: SIFT: "Tolerated"; PolyPhen-2: "Benign"; Align-GVGD: "Class C0". The isoleucine amino acid residue is found in multiple mammalian species, which suggests that this missense change does not adversely affect protein function. In summary, the available evidence is currently insufficient to determine the role of this variant in disease. Therefore, it has been classified as a Variant of Uncertain Significance.

NM_206933.4(USH2A):c.1334C>T (p.Thr445Ile)

Gene: USH2A (usherin; minus strand). Cytogenetic location: 1q41.
Variant type: single nucleotide variant.
Coding change: c.1334C>T on transcript NM_206933.4 (MANE Select); coding-DNA position 1334, C replaced by T.
Protein change: p.Thr445Ile; replaces threonine 445 with isoleucine.
Molecular consequence: missense variant.
Genome position (GRCh38, 1-based): chr1:216,323,690, G>A on the plus strand (C>T on the coding strand, the complement: USH2A is on the minus strand). VCF-style: chr1-216323690-G-A. GRCh37 (hg19) VCF-style: chr1-216497032-G-A.
Other names: c.1334C>T, p.Thr445Ile (NM_007123.6); short protein forms T445I.
Identifiers: ClinVar variation 1960399 (VCV001960399.2), dbSNP rs2527434569, ClinGen allele CA344910437.